The following is an entry in ClinVar:

ClinVar aggregate classification (germline): Uncertain significance (1 of 4 stars; one submission).

Conditions:
Neuronopathy, distal hereditary motor, autosomal recessive 4. Also called: NEUROPATHY, DISTAL HEREDITARY MOTOR, AUTOSOMAL RECESSIVE 4; Autosomal recessive lower motor neuron disease with childhood onset. Identifiers: Orphanet 206580, MedGen C1970211, MONDO:0012608, OMIM 611067.
Charcot-Marie-Tooth disease recessive intermediate C. Also called: CHARCOT-MARIE-TOOTH NEUROPATHY, RECESSIVE INTERMEDIATE C. Identifiers: Orphanet 369867, MedGen C3809309, MONDO:0014154, OMIM 615376.

Allele frequency attached by ClinVar (database versions not stated): gnomAD exomes 0.00001.
gnomAD v4.1: 10 of 1,610,810 alleles (0.00062%); highest among the groups gnomAD compares: South Asian, 0.0011%; no homozygotes.

Submission:

Labcorp Genetics (formerly Invitae), Labcorp
Classification: Uncertain significance for Neuronopathy, distal hereditary motor, autosomal recessive 4; Charcot-Marie-Tooth disease recessive intermediate C. Last evaluated: 2022-08-07. Review status: criteria provided, single submitter. Criteria: Invitae Variant Classification Sherloc (09022015). Collection method: clinical testing. Allele origin: germline.
Comment: Algorithms developed to predict the effect of sequence changes on RNA splicing suggest that this variant may create or strengthen a splice site. In summary, the available evidence is currently insufficient to determine the role of this variant in disease. Therefore, it has been classified as a Variant of Uncertain Significance. Algorithms developed to predict the effect of missense changes on protein structure and function (SIFT, PolyPhen-2, Align-GVGD) all suggest that this variant is likely to be tolerated. This sequence change replaces arginine, which is basic and polar, with glutamine, which is neutral and polar, at codon 265 of the PLEKHG5 protein (p.Arg265Gln). This variant is present in population databases (no rsID available, gnomAD 0.007%). This variant has not been reported in the literature in individuals affected with PLEKHG5-related conditions. ClinVar contains an entry for this variant (Variation ID: 1416227).

NM_020631.6(PLEKHG5):c.794G>A (p.Arg265Gln)

Gene: PLEKHG5 (pleckstrin homology and RhoGEF domain containing G5; minus strand). Cytogenetic location: 1p36.31.
Variant type: single nucleotide variant.
Coding change: c.794G>A on transcript NM_020631.6 (MANE Select); coding-DNA position 794, G replaced by A.
Protein change: p.Arg265Gln; replaces arginine 265 with glutamine.
Molecular consequence: missense variant.
Genome position (GRCh38, 1-based): chr1:6,473,252, C>T on the plus strand (G>A on the coding strand, the complement: PLEKHG5 is on the minus strand). VCF-style: chr1-6473252-C-T. GRCh37 (hg19) VCF-style: chr1-6533312-C-T.
Other names: c.905G>A, p.Arg302Gln (NM_001042663.3, NM_001265592.2); c.794G>A, p.Arg265Gln (NM_001042664.2, NM_001042665.2, NM_001265594.3 and 1 more transcripts); c.1001G>A, p.Arg334Gln (NM_001265593.2); short protein forms R334Q, R265Q, R302Q.
Identifiers: ClinVar variation 1416227 (VCV001416227.5), dbSNP rs1280977628, ClinGen allele CA338135651.